The following is an entry in ClinVar:

NM_001754.5(RUNX1):c.98-2A>C

Gene: RUNX1 (RUNX family transcription factor 1; minus strand). Cytogenetic location: 21q22.12.
Variant type: single nucleotide variant.
Coding change: c.98-2A>C on transcript NM_001754.5 (MANE Select); the canonical splice acceptor site of the intron before coding-DNA position 98, A replaced by C.
Molecular consequence: splice acceptor variant. On other transcripts: synonymous variant (2).
Genome position (GRCh38, 1-based): chr21:34,887,098, T>G on the plus strand (A>C on the coding strand, the complement: RUNX1 is on the minus strand). VCF-style: chr21-34887098-T-G. GRCh37 (hg19) VCF-style: chr21-36259395-T-G.
Other names: c.15A>C, p.Val5= (NM_001001890.3, NM_001122607.2).
Identifiers: ClinVar variation 4863646 (VCV004863646.1).

ClinVar aggregate classification (germline): Uncertain significance (1 of 4 stars; one submission).

Conditions:
Inborn genetic diseases. Identifiers: MedGen C0950123, MeSH D030342.

Submission:

Ambry Genetics
Classification: Uncertain significance for Inborn genetic diseases. Last evaluated: 2026-05-28. Review status: criteria provided, single submitter. Criteria: Ambry Variant Classification Scheme 2023. Collection method: clinical testing. Allele origin: germline.
Comment: The c.98-2A>C intronic variant results from an A to C substitution two nucleotides before coding exon 3 in the RUNX1 gene. This nucleotide position is highly conserved in available vertebrate species. In silico splice site analysis predicts that this alteration will weaken the native splice acceptor site. Splicing impacts for this splice site may be rescued by an alternative transcript which may be clinically relevant. Based on the available evidence, the clinical significance of this variant remains unclear.